The following is an entry in ClinVar:

ClinVar aggregate classification (germline): Uncertain significance (1 of 4 stars; one submission).

Conditions:
Diamond-Blackfan anemia 21. Identifiers: MedGen C5774230, MONDO:0031071, OMIM 620072.

Submission:

Suma Genomics
Classification: Uncertain significance for Diamond-Blackfan anemia 21. Review status: criteria provided, single submitter. Criteria: ACMG Guidelines, 2015. Collection method: clinical testing. Allele origin: germline. Inheritance: Autosomal recessive inheritance. Affected: yes. Observed: 1 compound heterozygote.
Comment: A missense variant c.1253T>A, p.(Val418Asp) is observed in exon 9 of HEATR3. This variant is not observed in the gnomAD database. This variant is classified as a variant of uncertain significance. ACMG criteria met: PM2_Supporting

NM_182922.4(HEATR3):c.1253T>A (p.Val418Asp)

Gene: HEATR3 (HEAT repeat containing 3; plus strand). Cytogenetic location: 16q12.1.
Variant type: single nucleotide variant.
Coding change: c.1253T>A on transcript NM_182922.4 (MANE Select); coding-DNA position 1253, T replaced by A.
Protein change: p.Val418Asp; replaces valine 418 with aspartic acid.
Molecular consequence: missense variant. On other transcripts: non-coding transcript variant (2).
Genome position (GRCh38, 1-based): chr16:50,084,254, T>A. VCF-style: chr16-50084254-T-A. GRCh37 (hg19) VCF-style: chr16-50118165-T-A.
Other names: c.902T>A, p.Val301Asp (NM_001329729.2, NM_001329730.2); c.560T>A, p.Val187Asp (NM_001329731.2); short protein forms V187D, V301D, V418D.
Identifiers: ClinVar variation 3366316 (VCV003366316.2).
Genomic context (GRCh38, chr16:50,084,254, plus strand): 5'-AGAATTCCTTCAGTGAGTGCGGGGGACAGCTGTTTTCTCCCCTCTGCCTCTCCCATGAAG[T>A]TCACACGGCTCTCACCAACTACCTCATCCCAAAGAAGGTAATCCATTTTCATTCTAGGCT-3'
Protein context (NP_891552.1, residues 408-428): LFSPLCLSHE[Val418Asp]HTALTNYLIP